The following is an entry in ClinVar:

NM_004984.4(KIF5A):c.484C>T (p.Arg162Trp)

Gene: KIF5A (kinesin family member 5A; plus strand). Cytogenetic location: 12q13.3.
Variant type: single nucleotide variant.
Coding change: c.484C>T on transcript NM_004984.4 (MANE Select); coding-DNA position 484, C replaced by T.
Protein change: p.Arg162Trp; replaces arginine 162 with tryptophan.
Molecular consequence: missense variant.
Genome position (GRCh38, 1-based): chr12:57,564,956, C>T. VCF-style: chr12-57564956-C-T. GRCh37 (hg19) VCF-style: chr12-57958739-C-T.
Other names: c.217C>T, p.Arg73Trp (NM_001354705.2); short protein forms R162W, R73W.
Identifiers: ClinVar variation 944917 (VCV000944917.14), dbSNP rs748551786, ClinGen allele CA6652601.

ClinVar aggregate classification (germline): Pathogenic/Likely pathogenic. Review status: criteria provided, multiple submitters, no conflicts (2 of 4 stars). 5 submissions from 5 submitters: Pathogenic (3); Likely pathogenic (2). Last evaluated 2024-04-29.

Conditions:
KIF5A-related disorder. Also called: KIF5A-related condition; KIF5A-related disorders.
Spastic paraplegia. Identifiers: MedGen C0037772, HP:0001258.
Hereditary spastic paraplegia 10 (SPG10). Also called: SPASTIC PARAPLEGIA 10 WITH OR WITHOUT PERIPHERAL NEUROPATHY; SPASTIC PARAPLEGIA 10 WITH PERIPHERAL NEUROPATHY; SPASTIC PARAPLEGIA 10, AUTOSOMAL DOMINANT. Identifiers: Orphanet 100991, MedGen C1858712, MONDO:0011408, OMIM 604187.

Allele frequency attached by ClinVar (database versions not stated): gnomAD exomes below 0.00001; ExAC 0.00001.
gnomAD v4.1: 3 of 1,614,126 alleles (0.00019%); highest among the groups gnomAD compares: South Asian, 0.0022%; no homozygotes.

Submissions (5):

Labcorp Genetics (formerly Invitae), Labcorp
Classification: Pathogenic for Spastic paraplegia. Last evaluated: 2024-04-29. Review status: criteria provided, single submitter. Criteria: Invitae Variant Classification Sherloc (09022015). Collection method: clinical testing. Allele origin: germline.
Comment: This sequence change replaces arginine, which is basic and polar, with tryptophan, which is neutral and slightly polar, at codon 162 of the KIF5A protein (p.Arg162Trp). This variant is present in population databases (rs748551786, gnomAD 0.003%). This missense change has been observed in individuals with hereditary spastic paraplegia (PMID: 25352184, 27084214, 30778698). It has also been observed to segregate with disease in related individuals. ClinVar contains an entry for this variant (Variation ID: 944917). Advanced modeling of protein sequence and biophysical properties (such as structural, functional, and spatial information, amino acid conservation, physicochemical variation, residue mobility, and thermodynamic stability) has been performed at Invitae for this missense variant, however the output from this modeling did not meet the statistical confidence thresholds required to predict the impact of this variant on KIF5A protein function. For these reasons, this variant has been classified as Pathogenic.

GeneDx
Classification: Likely pathogenic. Last evaluated: 2023-11-15. Review status: criteria provided, single submitter. Criteria: GeneDx Variant Classification Process June 2021. Collection method: clinical testing. Allele origin: germline. Affected: yes.
Comment: Not observed at significant frequency in large population cohorts (gnomAD); In silico analysis supports that this missense variant has a deleterious effect on protein structure/function; This variant is associated with the following publications: (PMID: 27084214, 30778698, 33272564, 25352184)

PreventionGenetics, part of Exact Sciences
Classification: Likely pathogenic for KIF5A-related condition. Last evaluated: 2023-07-27. Review status: criteria provided, single submitter. Criteria: ACMG Guidelines, 2015. Collection method: clinical testing. Allele origin: germline.
Comment: The KIF5A c.484C>T variant is predicted to result in the amino acid substitution p.Arg162Trp. This variant was reported in an individuals with hereditary spastic paraplegia and in at least one study segregate extensively with disease in a family (Supplementary Figure 2, Carosi et al 2015. PubMed ID: 25352184; Elert-Dobkowska et al. 2019. PubMed ID: 30778698). However in a different family, the variant was observed in unaffected individuals with different phenotypes than the initial report, indicating interfamilial phenotypic variability (Kaji et al. 2016. PubMed ID: 27084214). This variant is reported in 0.0033% of alleles in individuals of South Asian descent in gnomAD. We interpret this variant as likely pathogenic.

Institute of Medical Genetics and Applied Genomics, University Hospital Tübingen
Classification: Pathogenic. Last evaluated: 2020-10-23. Review status: criteria provided, single submitter. Criteria: ACMG Guidelines, 2015. Collection method: clinical testing. Allele origin: germline. Inheritance: Unknown mechanism. Affected: yes.

Institute of Human Genetics, University Hospital of Duesseldorf
Classification: Pathogenic for Hereditary spastic paraplegia 10. Review status: criteria provided, single submitter. Criteria: ACMG Guidelines, 2015. Collection method: not provided. Allele origin: germline. Inheritance: Autosomal dominant inheritance. Affected: yes.

Literature cited by the submitters: PubMed 25352184 (cited by Labcorp Genetics (formerly Invitae), Labcorp); PubMed 27084214 (cited by Labcorp Genetics (formerly Invitae), Labcorp); PubMed 30778698 (cited by Labcorp Genetics (formerly Invitae), Labcorp).